The following is an entry in ClinVar:

NM_002618.4(PEX13):c.1037G>A (p.Ser346Asn)

Gene: PEX13 (peroxisomal biogenesis factor 13; plus strand). Cytogenetic location: 2p15.
Variant type: single nucleotide variant.
Coding change: c.1037G>A on transcript NM_002618.4 (MANE Select); coding-DNA position 1037, G replaced by A.
Protein change: p.Ser346Asn; replaces serine 346 with asparagine.
Molecular consequence: missense variant.
Genome position (GRCh38, 1-based): chr2:61,048,595, G>A. VCF-style: chr2-61048595-G-A. GRCh37 (hg19) VCF-style: chr2-61275730-G-A.
Other names: short protein forms S346N.
Identifiers: ClinVar variation 2063018 (VCV002063018.4), dbSNP rs370969309, ClinGen allele CA346949862.

ClinVar aggregate classification (germline): Uncertain significance (1 of 4 stars; one submission).

Conditions:
Peroxisome biogenesis disorder 11A (Zellweger). Also called: Peroxisome biogenesis disorder 11A. Identifiers: Orphanet 912, MedGen C3554000, MONDO:0013949, OMIM 614883.

Submission:

Labcorp Genetics (formerly Invitae), Labcorp
Classification: Uncertain significance for Peroxisome biogenesis disorder 11A (Zellweger). Last evaluated: 2022-07-26. Review status: criteria provided, single submitter. Criteria: Invitae Variant Classification Sherloc (09022015). Collection method: clinical testing. Allele origin: germline.
Comment: This variant has not been reported in the literature in individuals affected with PEX13-related conditions. In summary, the available evidence is currently insufficient to determine the role of this variant in disease. Therefore, it has been classified as a Variant of Uncertain Significance. Algorithms developed to predict the effect of missense changes on protein structure and function output the following: SIFT: "Tolerated"; PolyPhen-2: "Benign"; Align-GVGD: "Class C0". The asparagine amino acid residue is found in multiple mammalian species, which suggests that this missense change does not adversely affect protein function. This variant is not present in population databases (gnomAD no frequency). This sequence change replaces serine, which is neutral and polar, with asparagine, which is neutral and polar, at codon 346 of the PEX13 protein (p.Ser346Asn).